The following is an entry in ClinVar:

ClinVar aggregate classification (germline): Uncertain significance (1 of 4 stars; one submission).

Submission:

GeneDx
Classification: Uncertain significance. Last evaluated: 2026-03-05. Review status: criteria provided, single submitter. Criteria: GeneDx Variant Classification Process June 2021. Collection method: clinical testing. Allele origin: germline.
Comment: Not observed at significant frequency in large population cohorts (gnomAD); Frameshift variant predicted to result in abnormal protein length as the last 44 amino acid(s) are replaced with 64 different amino acid(s); Has not been previously published as pathogenic or benign to our knowledge

NM_001393769.1(MED12L):c.6372_6408dup (p.Phe2137fs)

Gene: MED12L (mediator complex subunit 12L; plus strand). Cytogenetic location: 3q25.1.
Variant type: Duplication.
Coding change: c.6372_6408dup on transcript NM_001393769.1 (MANE Select); coding-DNA positions 6372 to 6408, 37 bases duplicated.
Protein change: p.Phe2137fs; shifts the reading frame from phenylalanine 2137.
Molecular consequence: frameshift variant.
Genome position (GRCh38, 1-based): chr3:151,416,386-151,416,422, 37 bases duplicated. GRCh37 (hg19): chr3:151,134,174-151,134,210.
Other names: c.6267_6303dup, p.Phe2102fs (NM_053002.6); short protein forms F2102fs, F2137fs.
Identifiers: ClinVar variation 5008687 (VCV005008687.1).